The following is an entry in ClinVar:

NM_001918.5(DBT):c.51+1G>C

Gene: DBT (dihydrolipoamide branched chain transacylase E2; minus strand). Cytogenetic location: 1p21.2.
Variant type: single nucleotide variant.
Coding change: c.51+1G>C on transcript NM_001918.5 (MANE Select); the canonical splice donor site of the intron after coding-DNA position 51, G replaced by C.
Molecular consequence: splice donor variant.
Genome position (GRCh38, 1-based): chr1:100,249,769, C>G on the plus strand (G>C on the coding strand, the complement: DBT is on the minus strand). VCF-style: chr1-100249769-C-G. GRCh37 (hg19) VCF-style: chr1-100715325-C-G.
Other names: c.-553+1G>C (NM_001399972.1); c.-680+1G>C (NM_001399969.1).
Identifiers: ClinVar variation 2664236 (VCV002664236.3), dbSNP rs398123669, ClinGen allele CA341348355.

ClinVar aggregate classification (germline): Conflicting classifications of pathogenicity. Review status: criteria provided, conflicting classifications (1 of 4 stars). 3 submissions from 3 submitters: Likely pathogenic (2); Uncertain significance (1). Last evaluated 2024-04-18.

Conditions:
Maple syrup urine disease type 2 (MSUD2). Also called: Maple syrup urine disease, type II. Identifiers: MedGen C1855371, MONDO:0023693, OMIM 620699.
Maple syrup urine disease (MSUD). Identifiers: Orphanet 511, MedGen C0024776, MeSH D008375, MONDO:0009563. Disease mechanism: loss of function.

Submissions (3):

Fulgent Genetics
Classification: Likely pathogenic for Maple syrup urine disease type 2. Last evaluated: 2024-04-18. Review status: criteria provided, single submitter. Criteria: ACMG Guidelines, 2015. Collection method: clinical testing. Allele origin: germline.

Baylor Genetics
Classification: Likely pathogenic for Maple syrup urine disease type 1A. Last evaluated: 2023-03-05. Review status: criteria provided, single submitter. Criteria: ACMG Guidelines, 2015. Collection method: clinical testing. Allele origin: unknown.

Neuberg Centre For Genomic Medicine, NCGM
Classification: Uncertain significance for Maple syrup urine disease type 1A. Last evaluated: 2023-01-24. Review status: criteria provided, single submitter. Criteria: ACMG Guidelines, 2015. Collection method: clinical testing. Allele origin: germline. Inheritance: Autosomal recessive inheritance. Affected: yes.
Comment: The invariant splice donor c.51+1G>C variant in DBT gene has not been reported previously as a pathogenic variant nor as a benign variant, to our knowledge. The c.51+1G>C variant is novel (not in any individuals) in both gnomAD Exomes and 1000 Genomes databases. This variant has not been reported to the ClinVar database. Loss of function variants have been previously reported to be disease causing. For these reasons, this variant has been classified as Likely Pathogenic.